The following is an entry in ClinVar:

ClinVar aggregate classification (germline): Pathogenic (1 of 4 stars; one submission).

Conditions:
Rafiq syndrome (RAFQS). Identifiers: Orphanet 88616, MedGen C3280127, MONDO:0013624, OMIM 614202.

Submission:

Labcorp Genetics (formerly Invitae), Labcorp
Classification: Pathogenic for Rafiq syndrome. Last evaluated: 2025-10-17. Review status: criteria provided, single submitter. Criteria: Invitae Variant Classification Sherloc (09022015). Collection method: clinical testing. Allele origin: germline.
Comment: This sequence change creates a premature translational stop signal (p.Asp414Glyfs*2) in the MAN1B1 gene. It is expected to result in an absent or disrupted protein product. Loss-of-function variants in MAN1B1 are known to be pathogenic (PMID: 24566669). This variant is not present in population databases (gnomAD no frequency). This variant has not been reported in the literature in individuals affected with MAN1B1-related conditions. For these reasons, this variant has been classified as Pathogenic.

Literature cited by the submitters: PubMed 24566669.

NM_016219.5(MAN1B1):c.1240dup (p.Asp414fs)

Gene: MAN1B1 (mannosidase alpha class 1B member 1; plus strand). Cytogenetic location: 9q34.3.
Variant type: Duplication.
Coding change: c.1240dup on transcript NM_016219.5 (MANE Select); coding-DNA position 1240, one base duplicated (G; older notation c.1240dupG).
Protein change: p.Asp414fs; shifts the reading frame from aspartic acid 414.
Molecular consequence: frameshift variant. On other transcripts: non-coding transcript variant (2).
Genome position (GRCh38, 1-based): chr9:137,101,658, G duplicated; the last of 4 consecutive G bases (chr9:137,101,655-137,101,658); duplicating any one gives the same sequence. VCF-style (leftmost placement, unchanged base first): chr9-137101654-A-AG. GRCh37 (hg19) VCF-style: chr9-139996106-A-AG.
Other names: short protein forms D414fs.
Identifiers: ClinVar variation 4772561 (VCV004772561.1).